The following is an entry in ClinVar:

NM_004959.5(NR5A1):c.907A>C (p.Ser303Arg)

Gene: NR5A1 (nuclear receptor subfamily 5 group A member 1; minus strand). Cytogenetic location: 9q33.3.
Variant type: single nucleotide variant.
Coding change: c.907A>C on transcript NM_004959.5 (MANE Select); coding-DNA position 907, A replaced by C.
Protein change: p.Ser303Arg; replaces serine 303 with arginine.
Molecular consequence: missense variant.
Genome position (GRCh38, 1-based): chr9:124,493,113, T>G on the plus strand (A>C on the coding strand, the complement: NR5A1 is on the minus strand). VCF-style: chr9-124493113-T-G. GRCh37 (hg19) VCF-style: chr9-127255392-T-G.
Other names: short protein forms S303R.
Identifiers: ClinVar variation 2633499 (VCV002633499.1), dbSNP rs1832341711, ClinGen allele CA374882513.

ClinVar aggregate classification (germline): Uncertain significance (1 of 4 stars; one submission).

Conditions:
NR5A1-related disorder. Also called: NR5A1-related condition.

Submission:

PreventionGenetics, part of Exact Sciences
Classification: Uncertain significance for NR5A1-related condition. Last evaluated: 2023-03-10. Review status: criteria provided, single submitter. Criteria: ACMG Guidelines, 2015. Collection method: clinical testing. Allele origin: germline.
Comment: The NR5A1 c.907A>C variant is predicted to result in the amino acid substitution p.Ser303Arg. This variant has been reported in an affected mother and child and functional studies found the variant resulted in reduced transactivation activity (Garrido et al. 2015. International Journal of Endocrinology and Metabolic Disorders: Volume: 1.4). This variant has not been reported in a large population database, indicating this variant is rare. Although we suspect this variant could be pathogenic, at this time, the clinical significance of this variant is uncertain due to the absence of conclusive functional and genetic evidence.